The following is an entry in ClinVar:

ClinVar aggregate classification (germline): Uncertain significance. Review status: criteria provided, single submitter (1 of 4 stars). 2 submissions from 2 submitters: Uncertain significance (1). 1 of the submissions does not count toward it. Last evaluated 2025-08-26.

Conditions:
MYH13-related disorder. Also called: MYH13-related condition.

Allele frequency attached by ClinVar (database versions not stated): gnomAD exomes 0.00008; ExAC 0.00021; 1000 Genomes Project 30x 0.00031; 1000 Genomes Project 0.00040; ESP Exome Variant Server 0.00055; gnomAD 0.00097; TOPMed 0.00115.
gnomAD v4.1: 269 of 1,605,802 alleles (0.017%); highest among the groups gnomAD compares: African/African-American, 0.31%; no homozygotes.

Submissions (2):

Ambry Genetics
Classification: Uncertain significance. Last evaluated: 2025-08-26. Review status: criteria provided, single submitter. Criteria: Ambry Variant Classification Scheme 2023. Collection method: clinical testing. Allele origin: germline.

PreventionGenetics, part of Exact Sciences
Classification: Likely benign for MYH13-related condition. Last evaluated: 2022-05-05. Review status: no assertion criteria provided. Collection method: clinical testing. Allele origin: germline. Not counted in ClinVar's aggregate classification.
Comment: This variant is classified as likely benign based on ACMG/AMP sequence variant interpretation guidelines (Richards et al. 2015 PMID: 25741868, with internal and published modifications).

NM_003802.3(MYH13):c.4960C>T (p.Leu1654Phe)

Gene: MYH13 (myosin heavy chain 13; minus strand). Cytogenetic location: 17p13.1.
Variant type: single nucleotide variant.
Coding change: c.4960C>T on transcript NM_003802.3 (MANE Select); coding-DNA position 4960, C replaced by T.
Protein change: p.Leu1654Phe; replaces leucine 1654 with phenylalanine.
Molecular consequence: missense variant.
Genome position (GRCh38, 1-based): chr17:10,309,527, G>A on the plus strand (C>T on the coding strand, the complement: MYH13 is on the minus strand). VCF-style: chr17-10309527-G-A. GRCh37 (hg19) VCF-style: chr17-10212844-G-A.
Other names: short protein forms L1654F.
Identifiers: ClinVar variation 2225358 (VCV002225358.5), dbSNP rs199716200, ClinGen allele CA8385326.